The following is an entry in ClinVar:

NM_001142800.2(EYS):c.2260-1_2263delinsCAC

Gene: EYS (EGF-like photoreceptor maintenance factor; minus strand). Cytogenetic location: 6q12.
Variant type: Indel.
Coding change: c.2260-1_2263delinsCAC on transcript NM_001142800.2 (MANE Select); the canonical splice acceptor site of the intron before coding-DNA position 2260 through coding-DNA position 2263, GAGCT replaced by CAC.
Molecular consequence: splice acceptor variant.
Genome position (GRCh38, 1-based): chr6:64,945,911-64,945,915, AGCTC replaced by GTG on the plus strand (GAGCT replaced by CAC on the coding strand, the reverse complement: EYS is on the minus strand). VCF-style: chr6-64945911-AGCTC-GTG. GRCh37 (hg19) VCF-style: chr6-65655804-AGCTC-GTG.
Other names: c.2260-1_2263delinsCAC (NM_001292009.2).
Identifiers: ClinVar variation 2871924 (VCV002871924.3), dbSNP rs2533459560, ClinGen allele CA2739273182.

ClinVar aggregate classification (germline): Likely pathogenic (1 of 4 stars; one submission).

Submission:

Labcorp Genetics (formerly Invitae), Labcorp
Classification: Likely pathogenic. Last evaluated: 2021-09-19. Review status: criteria provided, single submitter. Criteria: Invitae Variant Classification Sherloc (09022015). Collection method: clinical testing. Allele origin: germline.
Comment: In summary, the currently available evidence indicates that the variant is pathogenic, but additional data are needed to prove that conclusively. Therefore, this variant has been classified as Likely Pathogenic. Algorithms developed to predict the effect of sequence changes on RNA splicing suggest that this variant may disrupt the consensus splice site. This variant has not been reported in the literature in individuals affected with EYS-related conditions. This variant is not present in population databases (ExAC no frequency). This variant results in the deletion of part of exon 15 (c.2260-1_2263delinsCAC) of the EYS gene. It is expected to disrupt RNA splicing. Variants that disrupt the donor or acceptor splice site typically lead to a loss of protein function (PMID: 16199547), and loss-of-function variants in EYS are known to be pathogenic (PMID: 18836446, 20333770).

Literature cited by the submitters: PubMed 16199547; PubMed 18836446; PubMed 20333770.